The following is an entry in ClinVar:

NM_001017979.3(RAB28):c.394G>T (p.Asp132Tyr)

Gene: RAB28 (RAB28, member RAS oncogene family; minus strand). Cytogenetic location: 4p15.33.
Variant type: single nucleotide variant.
Coding change: c.394G>T on transcript NM_001017979.3 (MANE Select); coding-DNA position 394, G replaced by T.
Protein change: p.Asp132Tyr; replaces aspartic acid 132 with tyrosine.
Molecular consequence: missense variant.
Genome position (GRCh38, 1-based): chr4:13,381,592, C>A on the plus strand (G>T on the coding strand, the complement: RAB28 is on the minus strand). VCF-style: chr4-13381592-C-A. GRCh37 (hg19) VCF-style: chr4-13383216-C-A.
Other names: c.394G>T, p.Asp132Tyr (NM_001159601.2, NM_004249.4); short protein forms D132Y.
Identifiers: ClinVar variation 2015251 (VCV002015251.4), dbSNP rs2474592765, ClinGen allele CA356405039.
Genomic context (GRCh38, chr4:13,381,592, plus strand): 5'-CATTTTCCTGGCAAAACCGTAAGTGTTTTTCAGGTTTTATTGTTCGCATATGCTCCAAAT[C>A]AACTAGAAAGGTGTTAAAGAAAGAAAATAATTCAATATTAGAGTCTATCAAAACGTTTTT-3'
Protein context (NP_001017979.1, residues 122-142): PLVALVGNKI[Asp132Tyr]LEHMRTIKPE

ClinVar aggregate classification (germline): Uncertain significance (1 of 4 stars; one submission).

Submission:

Labcorp Genetics (formerly Invitae), Labcorp
Classification: Uncertain significance. Last evaluated: 2022-07-20. Review status: criteria provided, single submitter. Criteria: Invitae Variant Classification Sherloc (09022015). Collection method: clinical testing. Allele origin: germline.
Comment: This variant has not been reported in the literature in individuals affected with RAB28-related conditions. In summary, the available evidence is currently insufficient to determine the role of this variant in disease. Therefore, it has been classified as a Variant of Uncertain Significance. Algorithms developed to predict the effect of missense changes on protein structure and function (SIFT, PolyPhen-2, Align-GVGD) all suggest that this variant is likely to be disruptive. This variant is not present in population databases (gnomAD no frequency). This sequence change replaces aspartic acid, which is acidic and polar, with tyrosine, which is neutral and polar, at codon 132 of the RAB28 protein (p.Asp132Tyr).